The following is an entry in ClinVar:

ClinVar aggregate classification (germline): Uncertain significance. Review status: criteria provided, multiple submitters, no conflicts (2 of 4 stars). 2 submissions from 2 submitters: Uncertain significance (2). Last evaluated 2026-06-18.

Allele frequency attached by ClinVar (database versions not stated): TOPMed below 0.00001; gnomAD exomes below 0.00001.
gnomAD v4.1: 2 of 1,613,032 alleles (0.00012%); highest among the groups gnomAD compares: Non-Finnish European, 0.00017%; no homozygotes.

Submissions (2):

Women's Health and Genetics/Laboratory Corporation of America, LabCorp
Classification: Uncertain significance. Last evaluated: 2026-06-18. Review status: criteria provided, single submitter. Criteria: LabCorp Variant Classification Summary - May 2015. Collection method: clinical testing. Allele origin: germline.
Comment: Variant summary: ATP6V1A c.913A>G (p.Ile305Val) results in a conservative amino acid change in the encoded protein sequence. Algorithms developed to predict the effect of missense changes on protein structure and function are either unavailable or do not agree on the potential impact of this missense change. The variant was absent in 251446 control chromosomes. The available data on variant occurrences in the general population are insufficient to allow any conclusion about variant significance. To our knowledge, no occurrence of c.913A>G in individuals affected with ATP6V1A-related conditions and no experimental evidence demonstrating its impact on protein function have been reported. ClinVar contains an entry for this variant (Variation ID: 2119340). Based on the evidence outlined above, the variant was classified as uncertain significance.

Labcorp Genetics (formerly Invitae), Labcorp
Classification: Uncertain significance. Last evaluated: 2022-07-28. Review status: criteria provided, single submitter. Criteria: Invitae Variant Classification Sherloc (09022015). Collection method: clinical testing. Allele origin: germline.
Comment: This sequence change replaces isoleucine, which is neutral and non-polar, with valine, which is neutral and non-polar, at codon 305 of the ATP6V1A protein (p.Ile305Val). This variant is not present in population databases (gnomAD no frequency). This variant has not been reported in the literature in individuals affected with ATP6V1A-related conditions. Algorithms developed to predict the effect of missense changes on protein structure and function (SIFT, PolyPhen-2, Align-GVGD) all suggest that this variant is likely to be disruptive. In summary, the available evidence is currently insufficient to determine the role of this variant in disease. Therefore, it has been classified as a Variant of Uncertain Significance.

NM_001690.4(ATP6V1A):c.913A>G (p.Ile305Val)

Gene: ATP6V1A (ATPase H+ transporting V1 subunit A; plus strand). Cytogenetic location: 3q13.31.
Variant type: single nucleotide variant.
Coding change: c.913A>G on transcript NM_001690.4 (MANE Select); coding-DNA position 913, A replaced by G.
Protein change: p.Ile305Val; replaces isoleucine 305 with valine.
Molecular consequence: missense variant.
Genome position (GRCh38, 1-based): chr3:113,789,765, A>G. VCF-style: chr3-113789765-A-G. GRCh37 (hg19) VCF-style: chr3-113508612-A-G.
Other names: short protein forms I305V.
Identifiers: ClinVar variation 2119340 (VCV002119340.5), dbSNP rs1709072542, ClinGen allele CA354015581.